The following is an entry in ClinVar:

NM_006947.4(SRP72):c.1945C>T (p.Pro649Ser)

Gene: SRP72 (signal recognition particle 72; plus strand). Cytogenetic location: 4q12.
Variant type: single nucleotide variant.
Coding change: c.1945C>T on transcript NM_006947.4 (MANE Select); coding-DNA position 1945, C replaced by T.
Protein change: p.Pro649Ser; replaces proline 649 with serine.
Molecular consequence: missense variant. On other transcripts: non-coding transcript variant (1).
Genome position (GRCh38, 1-based): chr4:56,501,790, C>T. VCF-style: chr4-56501790-C-T. GRCh37 (hg19) VCF-style: chr4-57367956-C-T.
Other names: c.1762C>T, p.Pro588Ser (NM_001267722.2); c.1945C>T (NM_006947.3); short protein forms P649S, P588S.
Identifiers: ClinVar variation 2861360 (VCV002861360.4), dbSNP rs2545778187, ClinGen allele CA357003790.

ClinVar aggregate classification (germline): Uncertain significance. Review status: criteria provided, multiple submitters, no conflicts (2 of 4 stars). 2 submissions from 2 submitters: Uncertain significance (2). Last evaluated 2026-03-26.

Submissions (2):

Ambry Genetics
Classification: Uncertain significance. Last evaluated: 2026-03-26. Review status: criteria provided, single submitter. Criteria: Ambry Variant Classification Scheme 2023. Collection method: clinical testing. Allele origin: germline.
Comment: The p.P649S variant (also known as c.1945C>T), located in coding exon 19 of the SRP72 gene, results from a C to T substitution at nucleotide position 1945. The proline at codon 649 is replaced by serine, an amino acid with similar properties. This amino acid position is conserved. In addition, the in silico prediction for this alteration is inconclusive. Based on the available evidence, the clinical significance of this variant remains unclear.

Labcorp Genetics (formerly Invitae), Labcorp
Classification: Uncertain significance. Last evaluated: 2023-11-28. Review status: criteria provided, single submitter. Criteria: Invitae Variant Classification Sherloc (09022015). Collection method: clinical testing. Allele origin: germline.
Comment: This sequence change replaces proline, which is neutral and non-polar, with serine, which is neutral and polar, at codon 649 of the SRP72 protein (p.Pro649Ser). This variant is not present in population databases (gnomAD no frequency). This variant has not been reported in the literature in individuals affected with SRP72-related conditions. An algorithm developed to predict the effect of missense changes on protein structure and function (PolyPhen-2) suggests that this variant is likely to be disruptive. In summary, the available evidence is currently insufficient to determine the role of this variant in disease. Therefore, it has been classified as a Variant of Uncertain Significance.